The following is an entry in ClinVar:

NM_020937.4(FANCM):c.3452C>G (p.Pro1151Arg)

Gene: FANCM (FA complementation group M; plus strand). Cytogenetic location: 14q21.2.
Variant type: single nucleotide variant.
Coding change: c.3452C>G on transcript NM_020937.4 (MANE Select); coding-DNA position 3452, C replaced by G.
Protein change: p.Pro1151Arg; replaces proline 1151 with arginine.
Molecular consequence: missense variant.
Genome position (GRCh38, 1-based): chr14:45,176,206, C>G. VCF-style: chr14-45176206-C-G. GRCh37 (hg19) VCF-style: chr14-45645409-C-G.
Other names: c.3374C>G, p.Pro1125Arg (NM_001308133.2); short protein forms P1125R, P1151R.
Identifiers: ClinVar variation 4254524 (VCV004254524.1).

ClinVar aggregate classification (germline): Uncertain significance (1 of 4 stars; one submission).

Conditions:
Inborn genetic diseases. Identifiers: MedGen C0950123, MeSH D030342.

Submission:

Ambry Genetics
Classification: Uncertain significance for Inborn genetic diseases. Last evaluated: 2025-06-17. Review status: criteria provided, single submitter. Criteria: Ambry Variant Classification Scheme 2023. Collection method: clinical testing. Allele origin: germline.
Comment: The p.P1151R variant (also known as c.3452C>G), located in coding exon 14 of the FANCM gene, results from a C to G substitution at nucleotide position 3452. The proline at codon 1151 is replaced by arginine, an amino acid with dissimilar properties. This amino acid position is conserved. In addition, this alteration is predicted to be tolerated by in silico analysis. Based on the available evidence, the clinical significance of this variant remains unclear.